The following is an entry in ClinVar:

NM_182548.4(LHFPL5):c.73G>T (p.Val25Leu)

Gene: LHFPL5 (LHFPL tetraspan subfamily member 5; plus strand). Cytogenetic location: 6p21.31.
Variant type: single nucleotide variant.
Coding change: c.73G>T on transcript NM_182548.4 (MANE Select); coding-DNA position 73, G replaced by T.
Protein change: p.Val25Leu; replaces valine 25 with leucine.
Molecular consequence: missense variant.
Genome position (GRCh38, 1-based): chr6:35,805,743, G>T. VCF-style: chr6-35805743-G-T. GRCh37 (hg19) VCF-style: chr6-35773520-G-T.
Other names: short protein forms V25L.
Identifiers: ClinVar variation 3075973 (VCV003075973.1), dbSNP rs766245505, ClinGen allele CA363784118.

ClinVar aggregate classification (germline): Uncertain significance (1 of 4 stars; one submission).

Submission:

Laboratory for Molecular Medicine, Mass General Brigham Personalized Medicine
Classification: Uncertain significance. Last evaluated: 2024-01-10. Review status: criteria provided, single submitter. Criteria: ACMG Guidelines, 2015. Collection method: clinical testing. Allele origin: germline.
Comment: The p.Val25Leu variant in LHFPL5 has not been previously reported in individuals with hearing loss and was absent from large population studies. Computational prediction tools and conservation analyses suggest that this variant may not impact the protein, though this information is not predictive enough to rule out pathogenicity. In summary, the clinical significance of this variant is uncertain. ACMG/AMP Criteria applied: PM2_Supporting, BP4.